The following is an entry in ClinVar:

NM_017636.4(TRPM4):c.1142T>C (p.Leu381Pro)

Gene: TRPM4 (transient receptor potential cation channel subfamily M member 4; plus strand). Cytogenetic location: 19q13.33.
Variant type: single nucleotide variant.
Coding change: c.1142T>C on transcript NM_017636.4 (MANE Select); coding-DNA position 1142, T replaced by C.
Protein change: p.Leu381Pro; replaces leucine 381 with proline.
Molecular consequence: missense variant. On other transcripts: 5 prime UTR variant (1), intron variant (1).
Genome position (GRCh38, 1-based): chr19:49,172,100, T>C. VCF-style: chr19-49172100-T-C. GRCh37 (hg19) VCF-style: chr19-49675357-T-C.
Other names: c.1142T>C, p.Leu381Pro (NM_001195227.2); c.797T>C, p.Leu266Pro (NM_001321281.2); c.-412T>C (NM_001321282.2); c.620T>C, p.Leu207Pro (NM_001321283.2); c.201+331T>C (NM_001321285.2); short protein forms L207P, L266P, L381P.
Identifiers: ClinVar variation 2608454 (VCV002608454.5), dbSNP rs780864645, ClinGen allele CA9569086.
Genomic context (GRCh38, chr19:49,172,100, plus strand): 5'-TGACAGTCTATTCTTCTGAGGATGGGTCTGAGGAATTCGAGACCATAGTTTTGAAGGCCC[T>C]TGTGAAGGGTAAAAGTTGTACCCTCCAGTCTTCCCCCTCTCTCAGTTCAACCTTAGACAC-3'
Protein context (NP_060106.2, residues 371-391): EEFETIVLKA[Leu381Pro]VKACGSSEAS

ClinVar aggregate classification (germline): Uncertain significance. Review status: criteria provided, multiple submitters, no conflicts (2 of 4 stars). 2 submissions from 2 submitters: Uncertain significance (2). Last evaluated 2024-08-31.

Conditions:
Cardiovascular phenotype. Identifiers: MedGen CN230736.
Progressive familial heart block type IB (PFHB1B). Identifiers: Orphanet 871, MedGen C1970298, MONDO:0011474, OMIM 604559.

Allele frequency attached by ClinVar (database versions not stated): gnomAD 0.00001; gnomAD exomes 0.00001; TOPMed 0.00002; ExAC 0.00004.

Submissions (2):

Labcorp Genetics (formerly Invitae), Labcorp
Classification: Uncertain significance for Progressive familial heart block type IB. Last evaluated: 2024-08-31. Review status: criteria provided, single submitter. Criteria: Invitae Variant Classification Sherloc (09022015). Collection method: clinical testing. Allele origin: germline.
Comment: This sequence change replaces leucine, which is neutral and non-polar, with proline, which is neutral and non-polar, at codon 381 of the TRPM4 protein (p.Leu381Pro). This variant is present in population databases (rs780864645, gnomAD 0.05%). This variant has not been reported in the literature in individuals affected with TRPM4-related conditions. ClinVar contains an entry for this variant (Variation ID: 2608454). An algorithm developed to predict the effect of missense changes on protein structure and function (PolyPhen-2) suggests that this variant is likely to be disruptive. In summary, the available evidence is currently insufficient to determine the role of this variant in disease. Therefore, it has been classified as a Variant of Uncertain Significance.

Ambry Genetics
Classification: Uncertain significance for Cardiovascular phenotype. Last evaluated: 2023-06-29. Review status: criteria provided, single submitter. Criteria: Ambry Variant Classification Scheme 2023. Collection method: clinical testing. Allele origin: germline.